The following is an entry in ClinVar:

NM_001042492.3(NF1):c.8135G>A (p.Trp2712Ter)

Gene: NF1 (neurofibromin 1; plus strand). Cytogenetic location: 17q11.2.
Variant type: single nucleotide variant.
Coding change: c.8135G>A on transcript NM_001042492.3 (MANE Select); coding-DNA position 8135, G replaced by A.
Protein change: p.Trp2712Ter; replaces tryptophan 2712 with a stop codon.
Molecular consequence: nonsense.
Genome position (GRCh38, 1-based): chr17:31,358,990, G>A. VCF-style: chr17-31358990-G-A. GRCh37 (hg19) VCF-style: chr17-29686008-G-A.
Other names: c.8072G>A, p.Trp2691Ter (NM_000267.4); short protein forms W2691*, W2712*.
Identifiers: ClinVar variation 1806348 (VCV001806348.3), dbSNP rs1421446047, ClinGen allele CA399204169.

ClinVar aggregate classification (germline): Pathogenic. Review status: criteria provided, multiple submitters, no conflicts (2 of 4 stars). 3 submissions from 3 submitters: Pathogenic (3). Last evaluated 2023-04-26.

Conditions:
NF1-related disorder. Also called: NF1-related condition. Identifiers: MedGen CN379171.
Neurofibromatosis, type 1 (NF1). Also called: NEUROFIBROMATOSIS, TYPE I, SOMATIC; VON RECKLINGHAUSEN DISEASE; Peripheral type neurofibromatosis; Neurofibromatosis, type I. Identifiers: Orphanet 636, MedGen C0027831, MONDO:0018975, OMIM 162200. Disease mechanism: loss of function.
Juvenile myelomonocytic leukemia (JMML). Also called: LEUKEMIA, JUVENILE MYELOMONOCYTIC, SOMATIC. Identifiers: Orphanet 86834, MedGen C0349639, MONDO:0011908, OMIM 607785, HP:0012209.

Submissions (3):

Baylor Genetics
Classification: Pathogenic for Juvenile myelomonocytic leukemia. Last evaluated: 2023-04-26. Review status: criteria provided, single submitter. Criteria: ACMG Guidelines, 2015. Collection method: clinical testing. Allele origin: unknown.

Victorian Clinical Genetics Services, Murdoch Childrens Research Institute
Classification: Pathogenic for Neurofibromatosis, type 1. Last evaluated: 2021-05-06. Review status: criteria provided, single submitter. Criteria: ACMG Guidelines, 2015. Collection method: clinical testing. Allele origin: germline. Inheritance: Autosomal dominant inheritance.
Comment: Based on the classification scheme VCGS_Germline_v1.3.4, this variant is classified as Pathogenic. Following criteria are met: 0102 - Loss of function is a known mechanism of disease in this gene and is associated with neurofibromatosis, type 1 (MIM#162200). (I) 0107 - This gene is associated with autosomal dominant disease. (I) 0115 - Variants in this gene are known to have variable expressivity (PMID: 20301288 GeneReviews). (I) 0201 - Variant is predicted to cause nonsense-mediated decay (NMD) and loss of protein (premature termination codon is located at least 54 nucleotides upstream of the final exon-exon junction). (SP) 0251 - This variant is heterozygous. (I) 0302 - Variant is present in gnomAD (v3) <0.001 for a dominant condition (1 heterozygote, 0 homozygote). (SP) 0701 - Other NMD-predicted variants comparable to the one identified in this case have very strong previous evidence for pathogenicity (ClinVar). (SP) 0803 - This variant has limited previous evidence of pathogenicity. This variant has been reported in an individual with neurofibromatosis. (PMID: 24789688). (SP) 1208 - Inheritance information for this variant is not currently available in this individual. (I) Legend: (SP) - Supporting pathogenic, (I) - Information, (SB) - Supporting benign

Blueprint Genetics
Classification: Pathogenic for NF1-related disorders. Last evaluated: 2020-02-10. Review status: criteria provided, single submitter. Criteria: ACMG Guidelines, 2015. Collection method: clinical testing. Allele origin: germline. Affected: yes. Observed: 1 variant allele.

Literature cited by the submitters: PubMed 20301288 (cited by Victorian Clinical Genetics Services, Murdoch Childrens Research Institute); PubMed 24789688 (cited by Victorian Clinical Genetics Services, Murdoch Childrens Research Institute).